The following is an entry in ClinVar:

NM_004329.3(BMPR1A):c.784G>A (p.Val262Ile)

Gene: BMPR1A (bone morphogenetic protein receptor type 1A; plus strand). Cytogenetic location: 10q23.2.
Variant type: single nucleotide variant.
Coding change: c.784G>A on transcript NM_004329.3 (MANE Select); coding-DNA position 784, G replaced by A.
Protein change: p.Val262Ile; replaces valine 262 with isoleucine.
Molecular consequence: missense variant.
Genome position (GRCh38, 1-based): chr10:86,917,242, G>A. VCF-style: chr10-86917242-G-A. GRCh37 (hg19) VCF-style: chr10-88676999-G-A.
Other names: short protein forms V262I.
Identifiers: ClinVar variation 924437 (VCV000924437.12), dbSNP rs748790017, ClinGen allele CA5585605.

ClinVar aggregate classification (germline): Uncertain significance. Review status: criteria provided, multiple submitters, no conflicts (2 of 4 stars). 4 submissions from 4 submitters: Uncertain significance (4). Last evaluated 2025-11-05.

Conditions:
Hereditary cancer-predisposing syndrome. Also called: Hereditary Cancer Syndrome; Hereditary neoplastic syndrome; Neoplastic Syndromes, Hereditary; Tumor predisposition. Identifiers: Orphanet 140162, MedGen C0027672, MeSH D009386, MONDO:0015356.
Juvenile polyposis syndrome (JPS). Identifiers: Orphanet 2929, MedGen C0345893, MONDO:0017380, OMIM 174900.

Allele frequency attached by ClinVar (database versions not stated): gnomAD exomes below 0.00001; TOPMed below 0.00001; ExAC 0.00001; gnomAD 0.00001.
gnomAD v4.1: 2 of 1,613,716 alleles (0.00012%); highest among the groups gnomAD compares: Non-Finnish European, 0.00017%; no homozygotes.

Submissions (4):

Labcorp Genetics (formerly Invitae), Labcorp
Classification: Uncertain significance for Juvenile polyposis syndrome. Last evaluated: 2025-11-05. Review status: criteria provided, single submitter. Criteria: Invitae Variant Classification Sherloc (09022015). Collection method: clinical testing. Allele origin: germline.
Comment: This sequence change replaces valine, which is neutral and non-polar, with isoleucine, which is neutral and non-polar, at codon 262 of the BMPR1A protein (p.Val262Ile). This variant is present in population databases (rs748790017, gnomAD 0.0009%). This variant has not been reported in the literature in individuals affected with BMPR1A-related conditions. ClinVar contains an entry for this variant (Variation ID: 924437). Invitae Evidence Modeling of protein sequence and biophysical properties (such as structural, functional, and spatial information, amino acid conservation, physicochemical variation, residue mobility, and thermodynamic stability) indicates that this missense variant is not expected to disrupt BMPR1A protein function with a negative predictive value of 80%. In summary, the available evidence is currently insufficient to determine the role of this variant in disease. Therefore, it has been classified as a Variant of Uncertain Significance.

All of Us Research Program, National Institutes of Health
Classification: Uncertain significance for Juvenile polyposis syndrome. Last evaluated: 2024-09-23. Review status: criteria provided, single submitter. Criteria: ACMG Guidelines, 2015. Collection method: clinical testing. Allele origin: germline. Inheritance: Autosomal dominant inheritance. Observed: 1 variant allele, 1 heterozygote.
Comment: This study involves interpretation of variants in research participants for the purpose of population health screening. Participant phenotype was not available at the time of variant classification. Additional details can be found in publication PMID: 35346344, PMCID: PMC8962531

Ambry Genetics
Classification: Uncertain significance for Hereditary cancer-predisposing syndrome. Last evaluated: 2024-02-11. Review status: criteria provided, single submitter. Criteria: Ambry Variant Classification Scheme 2023. Collection method: clinical testing. Allele origin: germline.
Comment: The p.V262I variant (also known as c.784G>A), located in coding exon 7 of the BMPR1A gene, results from a G to A substitution at nucleotide position 784. The valine at codon 262 is replaced by isoleucine, an amino acid with highly similar properties. This amino acid position is conserved. In addition, the in silico prediction for this alteration is inconclusive. Based on the available evidence, the clinical significance of this alteration remains unclear.

Color Diagnostics, LLC DBA Color Health
Classification: Uncertain significance for Hereditary cancer-predisposing syndrome. Last evaluated: 2023-12-04. Review status: criteria provided, single submitter. Criteria: ACMG Guidelines, 2015. Collection method: clinical testing. Allele origin: germline.
Comment: This missense variant replaces valine with isoleucine at codon 262 of the BMPR1A protein. Computational prediction suggests that this variant may not impact protein structure and function (internally defined REVEL score threshold <= 0.5, PMID: 27666373). To our knowledge, functional studies have not been reported for this variant. This variant has not been reported in individuals affected with BMPR1A-related disorders in the literature. This variant has been identified in 1/250682 chromosomes in the general population by the Genome Aggregation Database (gnomAD). The available evidence is insufficient to determine the role of this variant in disease conclusively. Therefore, this variant is classified as a Variant of Uncertain Significance.